The following is an entry in ClinVar:

NM_000233.4(LHCGR):c.55_56insTGCAGCCGCCGCTGCTGCTGCTGCAGCTGCAGC (p.Gln18_Pro19insLeuGlnProProLeuLeuLeuLeuGlnLeuGln)

Genes: LHCGR (luteinizing hormone/choriogonadotropin receptor; minus strand), STON1-GTF2A1L (STON1-GTF2A1L readthrough; plus strand). Cytogenetic location: 2p16.3.
Variant type: Microsatellite.
Coding change: c.55_56insTGCAGCCGCCGCTGCTGCTGCTGCAGCTGCAGC on transcript NM_000233.4 (MANE Select); coding-DNA positions 55 to 56, TGCAGCCGCCGCTGCTGCTGCTGCAGCTGCAGC inserted.
Protein change: p.Gln18_Pro19insLeuGlnProProLeuLeuLeuLeuGlnLeuGln.
Molecular consequence: inframe insertion. On other transcripts: intron variant (1).
Genome position: GRCh38: chr2:48,755,617-48,755,624. GRCh37 (hg19), VCF-style position (the base before the change): chr2:48,982,755.
Other names: c.3442-20656_3442-20655insTGCAGCAGCAGCAGCGGCGGCTGCAGCTGCAGC (NM_001198593.2).
Identifiers: ClinVar variation 4706607 (VCV004706607.2).

ClinVar aggregate classification (germline): Uncertain significance. Review status: criteria provided, multiple submitters, no conflicts (2 of 4 stars). 2 submissions from 2 submitters: Uncertain significance (2). Last evaluated 2025-08-04.

Submissions (2):

Labcorp Genetics (formerly Invitae), Labcorp
Classification: Uncertain significance. Last evaluated: 2025-08-04. Review status: criteria provided, single submitter. Criteria: Invitae Variant Classification Sherloc (09022015). Collection method: clinical testing. Allele origin: germline.
Comment: This variant, c.55_56insTGCAGCCGCCGCTGCTGCTGCTGCAGCTGCAGC, results in the insertion of 11 amino acid(s) of the LHCGR protein (p.Gln18_Pro19insLeuGlnProProLeuLeuLeuLeuGlnLeuGln), but otherwise preserves the integrity of the reading frame. This variant is present in population databases (no rsID available, gnomAD 0.02%). This variant has not been reported in the literature in individuals affected with LHCGR-related conditions. In summary, the available evidence is currently insufficient to determine the role of this variant in disease. Therefore, it has been classified as a Variant of Uncertain Significance.

Blueprint Genetics
Classification: Uncertain significance. Last evaluated: 2024-07-03. Review status: criteria provided, single submitter. Criteria: ACMG Guidelines, 2015. Collection method: clinical testing. Allele origin: germline.